The following is an entry in ClinVar:

ClinVar aggregate classification (germline): Pathogenic (1 of 4 stars; one submission).

Submission:

Athena Diagnostics
Classification: Pathogenic. Last evaluated: 2021-02-15. Review status: criteria provided, single submitter. Criteria: Athena Diagnostics criteria. Collection method: clinical testing. Allele origin: unknown.
Comment: This variant is expected to result in the loss of a functional protein. This variant has not been reported in large, multi-ethnic general populations. This variant has been identified in at least one individual with clinical features associated with this gene. The variant is located in a region that is considered important for protein function and/or structure.

NM_014946.4(SPAST):c.1344T>A (p.Cys448Ter)

Gene: SPAST (spastin; plus strand). Cytogenetic location: 2p22.3.
Variant type: single nucleotide variant.
Coding change: c.1344T>A on transcript NM_014946.4 (MANE Select); coding-DNA position 1344, T replaced by A.
Protein change: p.Cys448Ter; replaces cysteine 448 with a stop codon.
Molecular consequence: nonsense.
Genome position (GRCh38, 1-based): chr2:32,136,899, T>A. VCF-style: chr2-32136899-T-A. GRCh37 (hg19) VCF-style: chr2-32361968-T-A.
Other names: c.1341T>A, p.Cys447Ter (NM_001363823.2); c.1245T>A, p.Cys415Ter (NM_001363875.2); c.1248T>A, p.Cys416Ter (NM_001377959.1, NM_199436.2); short protein forms C415*, C416*, C447*, C448*.
Identifiers: ClinVar variation 1256242 (VCV001256242.1), dbSNP rs2148753955, ClinGen allele CA346502207.